The following is an entry in ClinVar:

NM_000384.3(APOB):c.2569G>A (p.Gly857Arg)

Gene: APOB (apolipoprotein B; minus strand). Cytogenetic location: 2p24.1.
Variant type: single nucleotide variant.
Coding change: c.2569G>A on transcript NM_000384.3 (MANE Select); coding-DNA position 2569, G replaced by A.
Protein change: p.Gly857Arg; replaces glycine 857 with arginine.
Molecular consequence: missense variant.
Genome position (GRCh38, 1-based): chr2:21,023,560, C>T on the plus strand (G>A on the coding strand, the complement: APOB is on the minus strand). VCF-style: chr2-21023560-C-T. GRCh37 (hg19) VCF-style: chr2-21246432-C-T.
Other names: short protein forms G857R.
Identifiers: ClinVar variation 1163202 (VCV001163202.14), dbSNP rs145580236, ClinGen allele CA056672.

ClinVar aggregate classification (germline): Conflicting classifications of pathogenicity. Review status: criteria provided, conflicting classifications (1 of 4 stars). 3 submissions from 3 submitters: Uncertain significance (2); Likely benign (1). Last evaluated 2025-07-23.

Conditions:
Cardiovascular phenotype. Identifiers: MedGen CN230736.
Familial hypobetalipoproteinemia 1. Also called: Acanthocytosis with hypobetalipoproteinemia; APOB-Related Familial Hypobetalipoproteinemia; Hypobetalipoproteinemia, normotriglyceridemic. Identifiers: MedGen C4551990, MONDO:0014252, OMIM 615558.
Hypercholesterolemia, autosomal dominant, type B (FHCL2). Also called: APOLIPOPROTEIN B-100, FAMILIAL DEFECTIVE; APOLIPOPROTEIN B-100, FAMILIAL LIGAND-DEFECTIVE; Familial hypercholesterolemia 2; APOB-Related Familial Hypercholesterolemia, Autosomal Dominant; HYPERCHOLESTEROLEMIA, FAMILIAL, DUE TO LIGAND-DEFECTIVE APOLIPOPROTEIN B; Familial Hypercholesterolemia Type B. Identifiers: MedGen C1704417, MONDO:0007751, OMIM 144010.

Allele frequency attached by ClinVar (database versions not stated): ESP Exome Variant Server 0.00008; gnomAD exomes 0.00001 and 0.00003; ExAC 0.00002; TOPMed 0.00003; gnomAD 0.00005.
gnomAD v4.1: 47 of 1,614,034 alleles (0.0029%); highest among the groups gnomAD compares: East Asian, 0.027%; no homozygotes.

Submissions (3):

Labcorp Genetics (formerly Invitae), Labcorp
Classification: Likely benign for Familial hypobetalipoproteinemia 1; Hypercholesterolemia, autosomal dominant, type B. Last evaluated: 2025-07-23. Review status: criteria provided, single submitter. Criteria: Invitae Variant Classification Sherloc (09022015). Collection method: clinical testing. Allele origin: germline.

Ambry Genetics
Classification: Uncertain significance for Cardiovascular phenotype. Last evaluated: 2025-06-13. Review status: criteria provided, single submitter. Criteria: Ambry Variant Classification Scheme 2023. Collection method: clinical testing. Allele origin: germline.
Comment: The p.G857R variant (also known as c.2569G>A), located in coding exon 17 of the APOB gene, results from a G to A substitution at nucleotide position 2569. The glycine at codon 857 is replaced by arginine, an amino acid with dissimilar properties. This amino acid position is highly conserved in available vertebrate species. In addition, the in silico prediction for this alteration is inconclusive. Based on the available evidence, the clinical significance of this variant remains unclear.

Mayo Clinic Laboratories, Mayo Clinic
Classification: Uncertain significance. Last evaluated: 2022-06-01. Review status: criteria provided, single submitter. Criteria: ACMG Guidelines, 2015. Collection method: clinical testing. Allele origin: germline. Observed: 2 variant alleles.